The following is an entry in ClinVar:

NM_001206744.2(TPO):c.404C>A (p.Pro135His)

Gene: TPO (thyroid peroxidase; plus strand). Cytogenetic location: 2p25.3.
Variant type: single nucleotide variant.
Coding change: c.404C>A on transcript NM_001206744.2 (MANE Select); coding-DNA position 404, C replaced by A.
Protein change: p.Pro135His; replaces proline 135 with histidine.
Molecular consequence: missense variant.
Genome position (GRCh38, 1-based): chr2:1,436,306, C>A. VCF-style: chr2-1436306-C-A. GRCh37 (hg19) VCF-style: chr2-1440078-C-A.
Other names: c.404C>A, p.Pro135His (NM_000547.6, NM_001206745.2, NM_175719.4 and 2 more transcripts); short protein forms P135H.
Identifiers: ClinVar variation 331223 (VCV000331223.15), dbSNP rs61758083, ClinGen allele CA1511414.
Genomic context (GRCh38, chr2:1,436,306, plus strand): 5'-TCACAGATGCTTTATCAGAAGATCTGCTGAGCATCATTGCAAACATGTCTGGATGTCTCC[C>A]TTACATGCTGCCCCCAAAATGCCCAAACACTTGCCTGGCGAACAAATACAGGCCCATCAC-3'
Protein context (NP_001193673.1, residues 125-145): SIIANMSGCL[Pro135His]YMLPPKCPNT

ClinVar aggregate classification (germline): Conflicting classifications of pathogenicity. Review status: criteria provided, conflicting classifications (1 of 4 stars). 4 submissions from 4 submitters: Uncertain significance (1); Benign (1); Likely benign (1). 1 of the submissions does not count toward it. Last evaluated 2026-10-15.

Conditions:
Congenital hypothyroidism. Identifiers: Orphanet 442, MedGen C0010308, MONDO:0018612, HP:0000851.
TPO-related disorder. Also called: TPO-related condition.
Deficiency of iodide peroxidase (TDH2A). Also called: Thyroid dyshormonogenesis 2A; HYPOTHYROIDISM, CONGENITAL, DUE TO DYSHORMONOGENESIS, 2A; IODIDE PEROXIDASE DEFICIENCY; THYROID HORMONOGENESIS, GENETIC DEFECT IN, 2A; THYROID PEROXIDASE DEFICIENCY. Identifiers: Orphanet 95716, MedGen C1291299, MONDO:0010133, OMIM 274500.

Allele frequency attached by ClinVar (database versions not stated): 1000 Genomes Project 30x 0.00796; gnomAD 0.00159 and 0.00034; ESP Exome Variant Server 0.00038; TOPMed 0.00058; 1000 Genomes Project 0.00879.
gnomAD v4.1: 3,940 of 1,614,228 alleles (0.24%); highest among the groups gnomAD compares: South Asian, 3.5%; 79 homozygotes.

Submissions (4):

Cambridge Genomics Laboratory, East Genomic Laboratory Hub, NHS Genomic Medicine Service
Classification: Uncertain significance for Congenital hypothyroidism. Last evaluated: 2026-10-15. Review status: criteria provided, single submitter. Criteria: ACGS Best Practice Guidelines for Variant Classification in Rare Disease 2020. Collection method: clinical testing. Allele origin: germline. Affected: yes.

Labcorp Genetics (formerly Invitae), Labcorp
Classification: Benign. Last evaluated: 2026-01-24. Review status: criteria provided, single submitter. Criteria: Invitae Variant Classification Sherloc (09022015). Collection method: clinical testing. Allele origin: germline.

Illumina Laboratory Services, Illumina
Classification: Likely benign for Deficiency of iodide peroxidase. Last evaluated: 2018-01-12. Review status: criteria provided, single submitter. Criteria: ICSL Variant Classification Criteria 13 December 2019. Collection method: clinical testing. Allele origin: germline.
Comment: This variant was observed in the ICSL laboratory as part of a predisposition screen in an ostensibly healthy population. It had not been previously curated by ICSL or reported in the Human Gene Mutation Database (HGMD: prior to June 1st, 2018), and was therefore a candidate for classification through an automated scoring system. Utilizing variant allele frequency, disease prevalence and penetrance estimates, and inheritance mode, an automated score was calculated to assess if this variant is too frequent to cause the disease. Based on the score and internal cut-off values, a variant classified as likely benign is not then subjected to further curation. The score for this variant resulted in a classification of likely benign for this disease.

PreventionGenetics, part of Exact Sciences
Classification: Likely benign for TPO-related condition. Last evaluated: 2022-01-03. Review status: no assertion criteria provided. Collection method: clinical testing. Allele origin: germline. Not counted in ClinVar's aggregate classification.
Comment: This variant is classified as likely benign based on ACMG/AMP sequence variant interpretation guidelines (Richards et al. 2015 PMID: 25741868, with internal and published modifications).